The following is an entry in ClinVar:

NM_003011.4(SET):c.664-6_664-4del

Gene: SET (SET nuclear proto-oncogene; plus strand). Cytogenetic location: 9q34.11.
Variant type: Deletion.
Coding change: c.664-6_664-4del on transcript NM_003011.4 (MANE Select); 6 bases into the intron before coding-DNA position 664 through 4 bases into the intron before coding-DNA position 664, 3 bases deleted (TTT; older notation c.664-6_664-4delTTT).
Molecular consequence: intron variant.
Genome position (GRCh38, 1-based): chr9:128,693,890-128,693,892, TTT deleted; deleting any 3 consecutive bases within chr9:128,693,881-128,693,892 gives the same sequence; the c. name uses the placement nearest the transcript's 3' end. VCF-style (leftmost placement, unchanged base first): chr9-128693880-CTTT-C. GRCh37 (hg19) VCF-style: chr9-131456159-CTTT-C.
Other names: c.703-6_703-4delTTT (NM_001122821.2); c.703-6_703-4del (NM_001374326.1, NM_001122821.2); c.637-6_637-4del (NM_001248000.2); c.631-6_631-4del (NM_001248001.2).
Identifiers: ClinVar variation 2637546 (VCV002637546.2), dbSNP rs140324291, ClinGen allele CA200410146.

ClinVar aggregate classification (germline): Likely benign (1 of 4 stars; one submission).

Submission:

Women's Health and Genetics/Laboratory Corporation of America, LabCorp
Classification: Likely benign. Last evaluated: 2025-07-08. Review status: criteria provided, single submitter. Criteria: LabCorp Variant Classification Summary - May 2015. Collection method: clinical testing. Allele origin: germline.
Comment: Variant summary: SET c.703-6_703-4delTTT alters a nucleotide located at a position not widely known to affect splicing. Consensus agreement among computation tools predict no significant impact on normal splicing. However, these predictions have yet to be confirmed by functional studies. The frequency data for this variant in gnomAD is considered unreliable, as metrics indicate poor data quality at this position. To our knowledge, no occurrence of c.703-6_703-4delTTT in individuals affected with Intellectual Disability, Autosomal Dominant 58 and no experimental evidence demonstrating its impact on protein function have been reported. ClinVar contains an entry for this variant (Variation ID: 2637546). Based on the evidence outlined above, the variant was classified as likely benign.